The following is an entry in ClinVar:

ClinVar aggregate classification (germline): Likely benign (1 of 4 stars; one submission).

gnomAD v4.1: 20 of 1,207,939 alleles (0.0017%); highest among the groups gnomAD compares: Admixed American, 0.035%; no homozygotes.

Submission:

CeGaT Center for Human Genetics Tuebingen
Classification: Likely benign. Last evaluated: 2026-09-01. Review status: criteria provided, single submitter. Criteria: CeGaT Center For Human Genetics Tuebingen Variant Classification Criteria Version 2. Collection method: clinical testing. Allele origin: germline. Affected: yes. Observed: 2 variant alleles.
Comment: HNRNPH2: BP4, BS2

NM_019597.5(HNRNPH2):c.52C>T (p.Leu18=)

Genes: HNRNPH2 (heterogeneous nuclear ribonucleoprotein H2; plus strand), RPL36A-HNRNPH2 (RPL36A-HNRNPH2 readthrough; plus strand). Cytogenetic location: Xq22.1.
Variant type: single nucleotide variant.
Coding change: c.52C>T on transcript NM_019597.5 (MANE Select); coding-DNA position 52, C replaced by T.
Protein change: p.Leu18=; no amino-acid change (leucine 18 retained).
Molecular consequence: synonymous variant. On other transcripts: 3 prime UTR variant (2).
Genome position (GRCh38, 1-based): chrX:101,412,040, C>T. VCF-style: chrX-101412040-C-T. GRCh37 (hg19) VCF-style: chrX-100667028-C-T.
Other names: c.*48C>T (NM_001199973.2, NM_001199974.2); c.52C>T, p.Leu18= (NM_001032393.3).
Identifiers: ClinVar variation 4534451 (VCV004534451.6).
Genomic context (GRCh38, chrX:101,412,040, plus strand): 5'-ACAATCACCATGATGCTGAGCACGGAAGGCAGGGAGGGGTTCGTGGTGAAGGTCAGGGGC[C>T]TACCCTGGTCCTGCTCAGCCGATGAAGTGATGCGCTTCTTCTCTGATTGCAAGATCCAAA-3'
Protein context (NP_062543.1, residues 8-28): REGFVVKVRG[Leu18=]PWSCSADEVM